The following is an entry in ClinVar:

NM_000543.5(SMPD1):c.106dup (p.Val36fs)

Gene: SMPD1 (sphingomyelin phosphodiesterase 1; plus strand). Cytogenetic location: 11p15.4.
Variant type: Duplication.
Coding change: c.106dup on transcript NM_000543.5 (MANE Select); coding-DNA position 106, one base duplicated (G; older notation c.106dupG).
Protein change: p.Val36fs; shifts the reading frame from valine 36.
Molecular consequence: frameshift variant. On other transcripts: 5 prime UTR variant (1), non-coding transcript variant (2).
Genome position (GRCh38, 1-based): chr11:6,390,704, G duplicated; the last of 2 consecutive G bases (chr11:6,390,703-6,390,704); duplicating either gives the same sequence. VCF-style (leftmost placement, unchanged base first): chr11-6390702-T-TG. GRCh37 (hg19) VCF-style: chr11-6411932-T-TG.
Other names: c.106dup, p.Val36fs (NM_001007593.3, NM_001318087.2, NM_001365135.2); c.-856dup (NM_001318088.2); short protein forms V36fs.
Identifiers: ClinVar variation 813473 (VCV000813473.8), dbSNP rs1590735238, ClinGen allele CA915947958.

ClinVar aggregate classification (germline): Pathogenic. Review status: criteria provided, multiple submitters, no conflicts (2 of 4 stars). 2 submissions from 2 submitters: Pathogenic (2). Last evaluated 2021-11-04.

Conditions:
Niemann-Pick disease, type B. Also called: Chronic Visceral ASMD (Niemann-Pick Disease Type B; NPD-B). Identifiers: Orphanet 77293, MedGen C0268243, MONDO:0011871, OMIM 607616. Disease mechanism: loss of function.
Niemann-Pick disease, type A. Also called: Infantile Neurovisceral ASMD (Niemann-Pick Disease Type A; NPD-A); SPHINGOMYELIN LIPIDOSIS; SPHINGOMYELINASE DEFICIENCY. Identifiers: Orphanet 77292, MedGen C0268242, MONDO:0009756, OMIM 257200. Disease mechanism: loss of function.

Submissions (2):

Labcorp Genetics (formerly Invitae), Labcorp
Classification: Pathogenic for Niemann-Pick disease, type B; Niemann-Pick disease, type A. Last evaluated: 2021-11-04. Review status: criteria provided, single submitter. Criteria: Invitae Variant Classification Sherloc (09022015). Collection method: clinical testing. Allele origin: germline.
Comment: For these reasons, this variant has been classified as Pathogenic. ClinVar contains an entry for this variant (Variation ID: 813473). This variant has not been reported in the literature in individuals affected with SMPD1-related conditions. This variant is not present in population databases (gnomAD no frequency). This sequence change creates a premature translational stop signal (p.Val36Glyfs*16) in the SMPD1 gene. It is expected to result in an absent or disrupted protein product. Loss-of-function variants in SMPD1 are known to be pathogenic (PMID: 12369017, 15221801).

Baylor Genetics
Classification: Pathogenic for Niemann-Pick disease, type A. Review status: criteria provided, single submitter. Criteria: ACMG Guidelines, 2015. Collection method: clinical testing. Allele origin: germline.

Literature cited by the submitters: PubMed 12369017 (cited by Labcorp Genetics (formerly Invitae), Labcorp); PubMed 15221801 (cited by Labcorp Genetics (formerly Invitae), Labcorp).